The following is an entry in ClinVar:

ClinVar aggregate classification (germline): Likely pathogenic (1 of 4 stars; one submission).

Conditions:
Glycine encephalopathy. Also called: Non-ketotic hyperglycinemia; Nonketotic hyperglycinemia. Identifiers: Orphanet 407, MedGen C0751748, MONDO:0011612, HP:0008288.

Submission:

Myriad Genetics, Inc.
Classification: Likely pathogenic for Glycine encephalopathy 1. Last evaluated: 2022-03-15. Review status: criteria provided, single submitter. Criteria: Myriad Women's Health Autosomal Recessive and X-Linked Classification Criteria (2021). Collection method: clinical testing. Allele origin: unknown.
Comment: NM_000170.2(GLDC):c.734_735delAGinsT(E245Vfs*2) is expected to be pathogenic in the context of glycine encephalopathy, GLDC-related. This variant is predicted to lead to an abnormal or absent protein product due to the creation of a premature termination codon in GLDC, a gene where loss-of-function variants are known to be pathogenic. Please note: this variant was assessed in the context of healthy population screening.

NM_000170.3(GLDC):c.734_735delinsT (p.Glu245fs)

Gene: GLDC (glycine decarboxylase; minus strand). Cytogenetic location: 9p24.1.
Variant type: Indel.
Coding change: c.734_735delinsT on transcript NM_000170.3 (MANE Select); coding-DNA positions 734 to 735, AG replaced by T.
Protein change: p.Glu245fs; shifts the reading frame from glutamic acid 245.
Molecular consequence: frameshift variant.
Genome position (GRCh38, 1-based): chr9:6,605,257-6,605,258, CT replaced by A on the plus strand (AG replaced by T on the coding strand, the reverse complement: GLDC is on the minus strand). VCF-style: chr9-6605257-CT-A. GRCh37 (hg19) VCF-style: chr9-6605257-CT-A.
Other names: short protein forms E245fs.
Identifiers: ClinVar variation 1725282 (VCV001725282.2), dbSNP rs2489104369, ClinGen allele CA2580080285.